The following is an entry in ClinVar:

ClinVar aggregate classification (germline): Conflicting classifications of pathogenicity. Review status: criteria provided, conflicting classifications (1 of 4 stars). 4 submissions from 4 submitters: Likely pathogenic (2); Uncertain significance (2). Last evaluated 2026-06-30.

Conditions:
Leber congenital amaurosis with early-onset deafness. Identifiers: MedGen C4693498, MONDO:0060650, OMIM 617879.
Retinal disorder. Also called: Retinal disorders; Retinopathy; Retinopathies; Retinal Diseases. Identifiers: MedGen C0035309, MONDO:0005283, HP:0000488.
Structural eye disease.

Allele frequency attached by ClinVar (database versions not stated): TOPMed below 0.00001; gnomAD exomes below 0.00001.
gnomAD v4.1: 2 of 1,613,520 alleles (0.00012%); highest among the groups gnomAD compares: Non-Finnish European, 0.00017%; no homozygotes.

Submissions (4):

North West Genomic Laboratory Hub, Manchester University NHS Foundation Trust
Classification: Likely pathogenic for Retinal disorders; Structural eye disease. Last evaluated: 2026-06-30. Review status: criteria provided, single submitter. Criteria: ACGS Best Practice Guidelines for Variant Classification in Rare Disease 2024. Collection method: clinical testing. Allele origin: germline. Affected: yes.
Comment: PP3_Supp PS4_Mod PM1_Mod PM2_Mod

Clinical Genetics Laboratory, University Hospital Schleswig-Holstein
Classification: Likely pathogenic for Leber congenital amaurosis with early-onset deafness. Last evaluated: 2025-04-28. Review status: criteria provided, single submitter. Criteria: ACMG Guidelines, 2015. Collection method: clinical testing. Allele origin: germline. Affected: yes. Observed: 1 heterozygote.
Comment: ACMG criteria applied: PM2, PP3, PP2, PM1_Supporting, PP4

Institute of Medical Genetics and Applied Genomics, University Hospital Tübingen
Classification: Uncertain significance for Leber congenital amaurosis with early-onset deafness. Last evaluated: 2024-04-15. Review status: criteria provided, single submitter. Criteria: ACMG Guidelines, 2015. Collection method: clinical testing. Allele origin: germline. Inheritance: Autosomal dominant inheritance. Affected: yes.

Blueprint Genetics
Classification: Uncertain significance. Last evaluated: 2023-02-24. Review status: criteria provided, single submitter. Criteria: ACMG Guidelines, 2015. Collection method: clinical testing. Allele origin: germline.

NM_006088.6(TUBB4B):c.1168C>T (p.Arg390Trp)

Gene: TUBB4B (tubulin beta 4B class IVb; plus strand). Cytogenetic location: 9q34.3.
Variant type: single nucleotide variant.
Coding change: c.1168C>T on transcript NM_006088.6 (MANE Select); coding-DNA position 1168, C replaced by T.
Protein change: p.Arg390Trp; replaces arginine 390 with tryptophan.
Molecular consequence: missense variant.
Genome position (GRCh38, 1-based): chr9:137,243,386, C>T. VCF-style: chr9-137243386-C-T. GRCh37 (hg19) VCF-style: chr9-140137838-C-T.
Other names: short protein forms R390W.
Identifiers: ClinVar variation 3069149 (VCV003069149.3), dbSNP rs1836798877, ClinGen allele CA375756078.